The following is an entry in ClinVar:

ClinVar aggregate classification (germline): Uncertain significance. Review status: criteria provided, multiple submitters, no conflicts (2 of 4 stars). 2 submissions from 2 submitters: Uncertain significance (2). Last evaluated 2025-12-08.

Conditions:
Hereditary cancer-predisposing syndrome. Also called: Neoplastic Syndromes, Hereditary; Hereditary Cancer Syndrome; Hereditary neoplastic syndrome; Tumor predisposition. Identifiers: Orphanet 140162, MedGen C0027672, MeSH D009386, MONDO:0015356.
Familial cancer of breast. Also called: hereditary breast carcinoma; Hereditary breast cancer; BREAST CANCER, FAMILIAL. Identifiers: Orphanet 227535, MedGen C0346153, MONDO:0016419, OMIM 114480. Disease mechanism: loss of function.

Submissions (2):

Labcorp Genetics (formerly Invitae), Labcorp
Classification: Uncertain significance for Familial cancer of breast. Last evaluated: 2025-12-08. Review status: criteria provided, single submitter. Criteria: Invitae Variant Classification Sherloc (09022015). Collection method: clinical testing. Allele origin: germline.
Comment: This sequence change replaces isoleucine, which is neutral and non-polar, with valine, which is neutral and non-polar, at codon 850 of the PALB2 protein (p.Ile850Val). This variant is not present in population databases (gnomAD no frequency). This variant has not been reported in the literature in individuals affected with PALB2-related conditions. ClinVar contains an entry for this variant (Variation ID: 2042441). Invitae Evidence Modeling of protein sequence and biophysical properties (such as structural, functional, and spatial information, amino acid conservation, physicochemical variation, residue mobility, and thermodynamic stability) indicates that this missense variant is not expected to disrupt PALB2 protein function with a negative predictive value of 80%. In summary, the available evidence is currently insufficient to determine the role of this variant in disease. Therefore, it has been classified as a Variant of Uncertain Significance.

Color Diagnostics, LLC DBA Color Health
Classification: Uncertain significance for Hereditary cancer-predisposing syndrome. Last evaluated: 2024-03-07. Review status: criteria provided, single submitter. Criteria: ACMG Guidelines, 2015. Collection method: clinical testing. Allele origin: germline.
Comment: This missense variant replaces isoleucine with valine at codon 850 of the PALB2 protein. Computational prediction suggests that this variant may not impact protein structure and function (internally defined REVEL score threshold <= 0.5, PMID: 27666373). To our knowledge, functional studies have not been reported for this variant. This variant has not been reported in individuals affected with hereditary cancer in the literature. This variant has not been identified in the general population by the Genome Aggregation Database (gnomAD). The available evidence is insufficient to determine the role of this variant in disease conclusively. Therefore, this variant is classified as a Variant of Uncertain Significance.

NM_024675.4(PALB2):c.2548A>G (p.Ile850Val)

Gene: PALB2 (partner and localizer of BRCA2; minus strand). Cytogenetic location: 16p12.2.
Variant type: single nucleotide variant.
Coding change: c.2548A>G on transcript NM_024675.4 (MANE Select); coding-DNA position 2548, A replaced by G.
Protein change: p.Ile850Val; replaces isoleucine 850 with valine.
Molecular consequence: missense variant.
Genome position (GRCh38, 1-based): chr16:23,629,242, T>C on the plus strand (A>G on the coding strand, the complement: PALB2 is on the minus strand). VCF-style: chr16-23629242-T-C. GRCh37 (hg19) VCF-style: chr16-23640563-T-C.
Other names: c.2488A>G, p.Ile830Val (NM_001407296.1); c.2548A>G, p.Ile850Val (NM_001407298.1, NM_001407299.1, NM_001407300.1 and 2 more transcripts); c.1663A>G, p.Ile555Val (NM_001407304.1, NM_001407305.1, NM_001407306.1 and 5 more transcripts); c.760A>G, p.Ile254Val (NM_001407312.1, NM_001407313.1); c.82A>G, p.Ile28Val (NM_001407314.1); short protein forms I555V, I830V, I850V, I254V, I28V.
Identifiers: ClinVar variation 2042441 (VCV002042441.6), dbSNP rs2142368490, ClinGen allele CA395123782.